The following is an entry in ClinVar:

ClinVar aggregate classification (germline): Uncertain significance (1 of 4 stars; one submission).

Conditions:
Muscular dystrophy-dystroglycanopathy (congenital with impaired intellectual development), type B, 2. Also called: MUSCULAR DYSTROPHY, CONGENITAL, POMT2-RELATED; Muscular dystrophy-dystroglycanopathy (congenital with intellectual disability), type B2. Identifiers: MedGen C3150416, MONDO:0013160, OMIM 613156.
Autosomal recessive limb-girdle muscular dystrophy type 2N. Also called: MUSCULAR DYSTROPHY-DYSTROGLYCANOPATHY, LIMB-GIRDLE, POMT2-RELATED; Muscular dystrophy-dystroglycanopathy (limb-girdle), type C, 2. Identifiers: Orphanet 206559, MedGen C3150418, MONDO:0013162, OMIM 613158.
Muscular dystrophy-dystroglycanopathy (congenital with brain and eye anomalies), type A2. Also called: MUSCULAR DYSTROPHY-DYSTROGLYCANOPATHY (CONGENITAL WITH BRAIN AND EYE ANOMALIES), TYPE A, 2; WALKER-WARBURG SYNDROME OR MUSCLE-EYE-BRAIN DISEASE, POMT2-RELATED. Identifiers: Orphanet 588, Orphanet 899, MedGen C3150411, MONDO:0013154, OMIM 613150.

Submission:

Labcorp Genetics (formerly Invitae), Labcorp
Classification: Uncertain significance for Muscular dystrophy-dystroglycanopathy (congenital with impaired intellectual development), type B, 2; Muscular dystrophy-dystroglycanopathy (congenital with brain and eye anomalies), type A2; Autosomal recessive limb-girdle muscular dystrophy type 2N. Last evaluated: 2025-11-03. Review status: criteria provided, single submitter. Criteria: Invitae Variant Classification Sherloc (09022015). Collection method: clinical testing. Allele origin: germline.
Comment: This sequence change replaces glycine, which is neutral and non-polar, with aspartic acid, which is acidic and polar, at codon 353 of the POMT2 protein (p.Gly353Asp). The frequency data for this variant in the population databases is considered unreliable, as metrics indicate poor data quality at this position in the gnomAD database. This variant has not been reported in the literature in individuals affected with POMT2-related conditions. Invitae Evidence Modeling of protein sequence and biophysical properties (such as structural, functional, and spatial information, amino acid conservation, physicochemical variation, residue mobility, and thermodynamic stability) has been performed for this missense variant. However, the output from this modeling did not meet the statistical confidence thresholds required to predict the impact of this variant on POMT2 protein function. In summary, the available evidence is currently insufficient to determine the role of this variant in disease. Therefore, it has been classified as a Variant of Uncertain Significance.

NM_013382.7(POMT2):c.1058G>A (p.Gly353Asp)

Gene: POMT2 (protein O-mannosyltransferase 2; minus strand). Cytogenetic location: 14q24.3.
Variant type: single nucleotide variant.
Coding change: c.1058G>A on transcript NM_013382.7 (MANE Select); coding-DNA position 1058, G replaced by A.
Protein change: p.Gly353Asp; replaces glycine 353 with aspartic acid.
Molecular consequence: missense variant.
Genome position (GRCh38, 1-based): chr14:77,296,222, C>T on the plus strand (G>A on the coding strand, the complement: POMT2 is on the minus strand). VCF-style: chr14-77296222-C-T. GRCh37 (hg19) VCF-style: chr14-77762565-C-T.
Other names: short protein forms G353D.
Identifiers: ClinVar variation 4788181 (VCV004788181.1).